The following is an entry in ClinVar:

ClinVar aggregate classification (germline): Uncertain significance (1 of 4 stars; one submission).

Allele frequency attached by ClinVar (database versions not stated): gnomAD 0.00001; TOPMed 0.00001.

Submission:

Labcorp Genetics (formerly Invitae), Labcorp
Classification: Uncertain significance. Last evaluated: 2025-05-16. Review status: criteria provided, single submitter. Criteria: Invitae Variant Classification Sherloc (09022015). Collection method: clinical testing. Allele origin: germline.
Comment: This sequence change replaces glutamine, which is neutral and polar, with histidine, which is basic and polar, at codon 167 of the TRMT5 protein (p.Gln167His). This variant is not present in population databases (gnomAD no frequency). This variant has not been reported in the literature in individuals affected with TRMT5-related conditions. ClinVar contains an entry for this variant (Variation ID: 1519944). Invitae Evidence Modeling of protein sequence and biophysical properties (such as structural, functional, and spatial information, amino acid conservation, physicochemical variation, residue mobility, and thermodynamic stability) indicates that this missense variant is not expected to disrupt TRMT5 protein function with a negative predictive value of 80%. In summary, the available evidence is currently insufficient to determine the role of this variant in disease. Therefore, it has been classified as a Variant of Uncertain Significance.

NM_020810.3(TRMT5):c.501G>T (p.Gln167His)

Gene: TRMT5 (tRNA methyltransferase 5; minus strand). Cytogenetic location: 14q23.1.
Variant type: single nucleotide variant.
Coding change: c.501G>T on transcript NM_020810.3 (MANE Select); coding-DNA position 501, G replaced by T.
Protein change: p.Gln167His; replaces glutamine 167 with histidine.
Molecular consequence: missense variant.
Genome position (GRCh38, 1-based): chr14:60,979,397, C>A on the plus strand (G>T on the coding strand, the complement: TRMT5 is on the minus strand). VCF-style: chr14-60979397-C-A. GRCh37 (hg19) VCF-style: chr14-61446115-C-A.
Other names: c.585G>T, p.Gln195His (NM_001350253.1); c.582G>T, p.Gln194His (NM_001350254.1); short protein forms Q195H, Q167H, Q194H.
Identifiers: ClinVar variation 1519944 (VCV001519944.8), dbSNP rs938029561, ClinGen allele CA389920774.